The following is an entry in ClinVar:

NM_005392.4(PHF2):c.2349-2312_2349-2310del

Gene: PHF2 (PHD finger protein 2; plus strand). Cytogenetic location: 9q22.31.
Variant type: Deletion.
Coding change: c.2349-2312_2349-2310del on transcript NM_005392.4 (MANE Select); 2312 bases into the intron before coding-DNA position 2349 through 2310 bases into the intron before coding-DNA position 2349, 3 bases deleted (TAG; older notation c.2349-2312_2349-2310delTAG).
Molecular consequence: intron variant.
Genome position (GRCh38, 1-based): chr9:93,671,273-93,671,275, TAG deleted; deleting any 3 consecutive bases within chr9:93,671,271-93,671,275 gives the same sequence; the c. name uses the placement nearest the transcript's 3' end. VCF-style (leftmost placement, unchanged base first): chr9-93671270-GAGT-G. GRCh37 (hg19) VCF-style: chr9-96433552-GAGT-G.
Identifiers: ClinVar variation 2659315 (VCV002659315.24), dbSNP rs557062303, ClinGen allele CA196464270.

ClinVar aggregate classification (germline): Likely benign (1 of 4 stars; one submission).

Submission:

CeGaT Center for Human Genetics Tuebingen
Classification: Likely benign. Last evaluated: 2023-03-01. Review status: criteria provided, single submitter. Criteria: CeGaT Center For Human Genetics Tuebingen Variant Classification Criteria Version 2. Collection method: clinical testing. Allele origin: germline. Affected: yes. Observed: 3 variant alleles.
Comment: PHF2: BS2